The following is an entry in ClinVar:

ClinVar aggregate classification (germline): Uncertain significance. Review status: criteria provided, multiple submitters, no conflicts (2 of 4 stars). 3 submissions from 3 submitters: Uncertain significance (3). Last evaluated 2024-11-24.

Conditions:
CHARGE syndrome (CHARGE). Also called: Coloboma, heart anomaly, choanal atresia, retardation, genital and ear anomalies; CHARGE association; Hall-Hittner syndrome; Hittner Hirsch Kreh syndrome; CHARGE ASSOCIATION--COLOBOMA, HEART ANOMALY, CHOANAL ATRESIA, RETARDATION, GENITAL AND EAR ANOMALIES. Identifiers: Orphanet 138, MedGen C0265354, MONDO:0008965.
Inborn genetic diseases. Identifiers: MedGen C0950123, MeSH D030342.

Submissions (3):

Labcorp Genetics (formerly Invitae), Labcorp
Classification: Uncertain significance for CHARGE syndrome. Last evaluated: 2024-11-24. Review status: criteria provided, single submitter. Criteria: Invitae Variant Classification Sherloc (09022015). Collection method: clinical testing. Allele origin: germline.
Comment: This sequence change replaces glutamine, which is neutral and polar, with glutamic acid, which is acidic and polar, at codon 1532 of the CHD7 protein (p.Gln1532Glu). This variant is not present in population databases (gnomAD no frequency). This variant has not been reported in the literature in individuals affected with CHD7-related conditions. ClinVar contains an entry for this variant (Variation ID: 1700899). Invitae Evidence Modeling of protein sequence and biophysical properties (such as structural, functional, and spatial information, amino acid conservation, physicochemical variation, residue mobility, and thermodynamic stability) indicates that this missense variant is not expected to disrupt CHD7 protein function with a negative predictive value of 80%. In summary, the available evidence is currently insufficient to determine the role of this variant in disease. Therefore, it has been classified as a Variant of Uncertain Significance.

Ambry Genetics
Classification: Uncertain significance for Inborn genetic diseases. Last evaluated: 2024-10-01. Review status: criteria provided, single submitter. Criteria: Ambry Variant Classification Scheme 2023. Collection method: clinical testing. Allele origin: germline.

GeneDx
Classification: Uncertain significance. Last evaluated: 2022-02-10. Review status: criteria provided, single submitter. Criteria: GeneDx Variant Classification Process June 2021. Collection method: clinical testing. Allele origin: germline. Affected: yes.
Comment: Not observed at significant frequency in large population cohorts (gnomAD); In silico analysis supports that this missense variant does not alter protein structure/function; Has not been previously published as pathogenic or benign to our knowledge

NM_017780.4(CHD7):c.4594C>G (p.Gln1532Glu)

Gene: CHD7 (chromodomain helicase DNA binding protein 7; plus strand). Cytogenetic location: 8q12.2.
Variant type: single nucleotide variant.
Coding change: c.4594C>G on transcript NM_017780.4 (MANE Select); coding-DNA position 4594, C replaced by G.
Protein change: p.Gln1532Glu; replaces glutamine 1532 with glutamic acid.
Molecular consequence: missense variant. On other transcripts: intron variant (1).
Genome position (GRCh38, 1-based): chr8:60,841,704, C>G. VCF-style: chr8-60841704-C-G. GRCh37 (hg19) VCF-style: chr8-61754263-C-G.
Other names: c.4594C>G (NM_017780.3); c.1717-20525C>G (NM_001316690.1); short protein forms Q1532E.
Identifiers: ClinVar variation 1700899 (VCV001700899.5), dbSNP rs2150786112, ClinGen allele CA371318672.